The following is an entry in ClinVar:

NM_206933.4(USH2A):c.12328T>A (p.Tyr4110Asn)

Gene: USH2A (usherin; minus strand). Cytogenetic location: 1q41.
Variant type: single nucleotide variant.
Coding change: c.12328T>A on transcript NM_206933.4 (MANE Select); coding-DNA position 12328, T replaced by A.
Protein change: p.Tyr4110Asn; replaces tyrosine 4110 with asparagine.
Molecular consequence: missense variant.
Genome position (GRCh38, 1-based): chr1:215,675,583, A>T on the plus strand (T>A on the coding strand, the complement: USH2A is on the minus strand). VCF-style: chr1-215675583-A-T. GRCh37 (hg19) VCF-style: chr1-215848925-A-T.
Other names: short protein forms Y4110N.
Identifiers: ClinVar variation 1053293 (VCV001053293.6), dbSNP rs531504195, ClinGen allele CA344851249.

ClinVar aggregate classification (germline): Uncertain significance (1 of 4 stars; one submission).

Submission:

Labcorp Genetics (formerly Invitae), Labcorp
Classification: Uncertain significance. Last evaluated: 2021-09-01. Review status: criteria provided, single submitter. Criteria: Invitae Variant Classification Sherloc (09022015). Collection method: clinical testing. Allele origin: germline.
Comment: This sequence change replaces tyrosine with asparagine at codon 4110 of the USH2A protein (p.Tyr4110Asn). The tyrosine residue is highly conserved and there is a large physicochemical difference between tyrosine and asparagine. This variant is not present in population databases (ExAC no frequency). This variant has not been reported in the literature in individuals affected with USH2A-related conditions. Algorithms developed to predict the effect of missense changes on protein structure and function (SIFT, PolyPhen-2, Align-GVGD) all suggest that this variant is likely to be disruptive. In summary, the available evidence is currently insufficient to determine the role of this variant in disease. Therefore, it has been classified as a Variant of Uncertain Significance.